The following is an entry in ClinVar:

ClinVar aggregate classification (germline): Uncertain significance (1 of 4 stars; one submission).

gnomAD v4.1: 1 of 1,614,170 alleles (0.000062%); no homozygotes.

Submission:

Ambry Genetics
Classification: Uncertain significance. Last evaluated: 2022-10-28. Review status: criteria provided, single submitter. Criteria: Ambry Variant Classification Scheme 2023. Collection method: clinical testing. Allele origin: germline.
Comment: The p.R470S variant (also known as c.1410A>C), located in coding exon 3 of the ALPK2 gene, results from an A to C substitution at nucleotide position 1410. The arginine at codon 470 is replaced by serine, an amino acid with dissimilar properties. This amino acid position is conserved. In addition, this alteration is predicted to be tolerated by in silico analysis. Since supporting evidence is limited at this time, the clinical significance of this alteration remains unclear.

NM_052947.4(ALPK2):c.1410A>C (p.Arg470Ser)

Gene: ALPK2 (alpha kinase 2; minus strand). Cytogenetic location: 18q21.31.
Variant type: single nucleotide variant.
Coding change: c.1410A>C on transcript NM_052947.4 (MANE Select); coding-DNA position 1410, A replaced by C.
Protein change: p.Arg470Ser; replaces arginine 470 with serine.
Molecular consequence: missense variant.
Genome position (GRCh38, 1-based): chr18:58,579,366, T>G on the plus strand (A>C on the coding strand, the complement: ALPK2 is on the minus strand). VCF-style: chr18-58579366-T-G. GRCh37 (hg19) VCF-style: chr18-56246598-T-G.
Other names: short protein forms R470S.
Identifiers: ClinVar variation 1772010 (VCV001772010.2), dbSNP rs2518899001, ClinGen allele CA402563155.